The following is an entry in ClinVar:

ClinVar aggregate classification (germline): Uncertain significance. Review status: criteria provided, multiple submitters, no conflicts (2 of 4 stars). 2 submissions from 2 submitters: Uncertain significance (2). Last evaluated 2024-12-23.

Conditions:
Brachyolmia-amelogenesis imperfecta syndrome. Also called: Tooth agenesis, selective, 6; Dental anomalies and short stature; PLATYSPONDYLY WITH AMELOGENESIS IMPERFECTA. Identifiers: Orphanet 2899, MedGen C1832594, MONDO:0011018, OMIM 601216. Disease mechanism: loss of function.

gnomAD v4.1: 3 of 1,614,176 alleles (0.00019%); highest among the groups gnomAD compares: Non-Finnish European, 0.00017%; no homozygotes.

Submissions (2):

Labcorp Genetics (formerly Invitae), Labcorp
Classification: Uncertain significance for Brachyolmia-amelogenesis imperfecta syndrome. Last evaluated: 2024-12-23. Review status: criteria provided, single submitter. Criteria: Invitae Variant Classification Sherloc (09022015). Collection method: clinical testing. Allele origin: germline.
Comment: This sequence change affects codon 357 of the LTBP3 mRNA. It is a 'silent' change, meaning that it does not change the encoded amino acid sequence of the LTBP3 protein. This variant is present in population databases (no rsID available, gnomAD 0.004%). This variant has not been reported in the literature in individuals affected with LTBP3-related conditions. ClinVar contains an entry for this variant (Variation ID: 1960609). Algorithms developed to predict the effect of sequence changes on RNA splicing suggest that this variant may disrupt the consensus splice site. In summary, the available evidence is currently insufficient to determine the role of this variant in disease. Therefore, it has been classified as a Variant of Uncertain Significance.

Mayo Clinic Laboratories, Mayo Clinic
Classification: Uncertain significance. Last evaluated: 2023-12-27. Review status: criteria provided, single submitter. Criteria: ACMG Guidelines, 2015. Collection method: clinical testing. Allele origin: germline. Observed: 1 variant allele.
Comment: PM2

NM_001130144.3(LTBP3):c.1071C>T (p.Asn357=)

Gene: LTBP3 (latent transforming growth factor beta binding protein 3; minus strand). Cytogenetic location: 11q13.1.
Variant type: single nucleotide variant.
Coding change: c.1071C>T on transcript NM_001130144.3 (MANE Select); coding-DNA position 1071, C replaced by T.
Protein change: p.Asn357=; no amino-acid change (asparagine 357 retained).
Molecular consequence: synonymous variant.
Genome position (GRCh38, 1-based): chr11:65,552,975, G>A on the plus strand (C>T on the coding strand, the complement: LTBP3 is on the minus strand). VCF-style: chr11-65552975-G-A. GRCh37 (hg19) VCF-style: chr11-65320446-G-A.
Other names: p.Asn357=; c.720C>T, p.Asn240= (NM_001164266.1); c.1071C>T, p.Asn357= (NM_021070.4); c.1071C>T (NM_001130144.2).
Identifiers: ClinVar variation 1960609 (VCV001960609.6), dbSNP rs1401871376, ClinGen allele CA475033595.
Genomic context (GRCh38, chr11:65,552,975, plus strand): 5'-ATAGGAGCCAGGGTTGTTGAGGCAGTCACCATGGCGACACACGCCCGGCATTGCGCACTC[G>A]TTGATGTCTGTGGTAAGTGGAAGTTTGGCCCCTCTGGTCTGGGGCCATGGGGTGACAGCA-3'
Protein context (NP_001123616.1, residues 347-367): RLNSTHCQDI[Asn357=]ECAMPGVCRH